The following is an entry in ClinVar:

NM_058179.4(PSAT1):c.456C>T (p.Cys152=)

Gene: PSAT1 (phosphoserine aminotransferase 1; plus strand). Cytogenetic location: 9q21.2.
Variant type: single nucleotide variant.
Coding change: c.456C>T on transcript NM_058179.4 (MANE Select); coding-DNA position 456, C replaced by T.
Protein change: p.Cys152=; no amino-acid change (cysteine 152 retained).
Molecular consequence: synonymous variant.
Genome position (GRCh38, 1-based): chr9:78,306,372, C>T. VCF-style: chr9-78306372-C-T. GRCh37 (hg19) VCF-style: chr9-80921288-C-T.
Other names: c.456C>T, p.Cys152= (NM_021154.5); c.456C>T (NM_058179.3).
Identifiers: ClinVar variation 1092398 (VCV001092398.9), dbSNP rs376944831, ClinGen allele CA5095631.

ClinVar aggregate classification (germline): Likely benign. Review status: criteria provided, single submitter (1 of 4 stars). 2 submissions from 2 submitters: Likely benign (1). 1 of the submissions does not count toward it. Last evaluated 2024-10-17.

Conditions:
Neu-Laxova syndrome 2. Identifiers: Orphanet 2671, Orphanet 583602, MedGen C4015019, MONDO:0014466, OMIM 616038.
PSAT1-related disorder. Also called: PSAT1-related condition; PSAT1-related disorders.

Allele frequency attached by ClinVar (database versions not stated): gnomAD 0.00001; gnomAD exomes 0.00001 and 0.00003; TOPMed 0.00003; ExAC 0.00005; ESP Exome Variant Server 0.00008.
gnomAD v4.1: 17 of 1,613,256 alleles (0.0011%); highest among the groups gnomAD compares: South Asian, 0.0022%; no homozygotes.

Submissions (2):

Labcorp Genetics (formerly Invitae), Labcorp
Classification: Likely benign for Neu-Laxova syndrome 2. Last evaluated: 2024-10-17. Review status: criteria provided, single submitter. Criteria: Invitae Variant Classification Sherloc (09022015). Collection method: clinical testing. Allele origin: germline.

PreventionGenetics, part of Exact Sciences
Classification: Likely benign for PSAT1-related condition. Last evaluated: 2019-02-28. Review status: no assertion criteria provided. Collection method: clinical testing. Allele origin: germline. Not counted in ClinVar's aggregate classification.
Comment: This variant is classified as likely benign based on ACMG/AMP sequence variant interpretation guidelines (Richards et al. 2015 PMID: 25741868, with internal and published modifications).